The following is an entry in ClinVar:

ClinVar aggregate classification (germline): Conflicting classifications of pathogenicity. Review status: criteria provided, conflicting classifications (1 of 4 stars). 17 submissions from 17 submitters: Uncertain significance (9); Likely benign (7). 1 of the submissions does not count toward it. Last evaluated 2026-02-11.

Conditions:
RAD51D-related disorder. Also called: RAD51D-related condition.
Breast and/or ovarian cancer. Identifiers: MedGen CN221562.
Hereditary cancer-predisposing syndrome. Also called: Neoplastic Syndromes, Hereditary; Tumor predisposition; Hereditary Cancer Syndrome; Hereditary neoplastic syndrome. Identifiers: Orphanet 140162, MedGen C0027672, MeSH D009386, MONDO:0015356.
Breast-ovarian cancer, familial, susceptibility to, 4. Identifiers: Orphanet 145, MedGen C3280345, MONDO:0013669, OMIM 614291.
Hereditary breast ovarian cancer syndrome. Also called: BRCA1- and BRCA2-Associated Hereditary Breast and Ovarian Cancer; Hereditary breast and ovarian cancer; Hereditary breast and ovarian cancer syndrome; Hereditary breast and ovarian cancer syndrome (HBOC); Breast and ovarian cancer; Hereditary breast and/or ovarian cancer syndrome. Identifiers: Orphanet 145, MedGen C0677776, MeSH D061325, MONDO:0003582. Disease mechanism: loss of function.

Allele frequency attached by ClinVar (database versions not stated): ExAC 0.00007; ESP Exome Variant Server 0.00015; 1000 Genomes Project 30x 0.00016; TOPMed 0.00019; 1000 Genomes Project 0.00020; gnomAD 0.00025.
gnomAD v4.1: 148 of 1,614,130 alleles (0.0092%); highest among the groups gnomAD compares: Admixed American, 0.087%; no homozygotes.

Submissions 1 to 12 of 17:

St. Jude Molecular Pathology, St. Jude Children's Research Hospital
Classification: Uncertain significance for Breast-ovarian cancer, familial, susceptibility to, 4. Last evaluated: 2026-02-11. Review status: criteria provided, single submitter. Criteria: St. Jude Assertion Criteria 2020. Collection method: clinical testing. Allele origin: germline.
Comment: The RAD51D c.413A>G p.(Asn138Ser) missense change has a maximum subpopulation frequency of 0.05% in gnomAD v2.1.1. The in silico tool REVEL predicts a benign effect on protein function, but to our knowledge this prediction has not been confirmed by functional studies. To our knowledge, this variant has not been reported in individuals with RAD51D- associated conditions. In summary, the evidence currently available is insufficient to determine the clinical significance of this variant. It has therefore been classified as of uncertain significance.

Labcorp Genetics (formerly Invitae), Labcorp
Classification: Likely benign for Breast-ovarian cancer, familial, susceptibility to, 4. Last evaluated: 2026-01-31. Review status: criteria provided, single submitter. Criteria: Invitae Variant Classification Sherloc (09022015). Collection method: clinical testing. Allele origin: germline.

Quest Diagnostics Nichols Institute San Juan Capistrano
Classification: Uncertain significance. Last evaluated: 2025-10-15. Review status: criteria provided, single submitter. Criteria: Quest Diagnostics criteria. Collection method: clinical testing. Allele origin: unknown.
Comment: The RAD51D c.413A>G (p.Asn138Ser) variant has been reported in the published literature in individuals with hereditary breast and/or ovarian cancer (HBOC) (PMIDs: 35893033 (2022), 33471991 (2021), see also LOVD, 31159747 (2019), 29409816 (2018), 25186627 (2015)), prostate cancer (PMIDs: 28767289 (2017), 25111073 (2014)), and endometrial cancer (PMID: 27443514 (2016)). This variant has also been identified in reportedly unaffected individuals (PMID: 33471991 (2021), see also LOVD). The frequency of this variant in the general population (Genome Aggregation Database) is higher than would generally be expected for pathogenic variants in this gene. Analysis of this variant using bioinformatics tools for the prediction of the effect of amino acid changes on protein structure and function yielded predictions that this variant is benign. Based on the available information, we are unable to determine the clinical significance of this variant.

PreventionGenetics, part of Exact Sciences
Classification: Likely benign for RAD51D-related condition. Last evaluated: 2025-06-24. Review status: criteria provided, single submitter. Criteria: ACMG Guidelines, 2015. Collection method: clinical testing. Allele origin: germline.
Comment: This variant is classified as likely benign based on ACMG/AMP sequence variant interpretation guidelines (Richards et al. 2015 PMID: 25741868, with internal and published modifications).

GeneDx
Classification: Uncertain significance. Last evaluated: 2025-06-10. Review status: criteria provided, single submitter. Criteria: GeneDx Variant Classification Process June 2021. Collection method: clinical testing. Allele origin: germline. Affected: yes.
Comment: Observed in individuals with a personal or family history including breast, ovarian, prostate, and other cancers, but also seen in unaffected controls (PMID: 25111073, 25186627, 27443514, 28767289, 29409816, 31159747, 34923718, 33471991, 35893033); In silico analysis suggests that this missense variant does not alter protein structure/function; This variant is associated with the following publications: (PMID: 25186627, 28767289, 25111073, 27443514, 29409816, 31159747, 34923718, 35893033, 33471991, 21111057, 14704354, 19327148)

Institute for Biomarker Research, Medical Diagnostic Laboratories, L.L.C.
Classification: Uncertain significance for Hereditary breast ovarian cancer syndrome. Last evaluated: 2025-05-27. Review status: criteria provided, single submitter. Criteria: ACMG Guidelines, 2015. Collection method: clinical testing. Allele origin: germline.
Comment: The missense variant NM_002878.4(RAD51D):c.413A>G (p.Asn138Ser) has not been reported previously as a pathogenic variant, to our knowledge. There is a small physicochemical difference between asparagine and serine, which is not likely to impact secondary protein structure as these residues share similar properties. The p.Asn138Ser missense variant is predicted to be tolerated by both SIFT or PolyPhen2. The serine residue at codon 138 of RAD51D is present in Marmoset and 16 other mammalian species. The nucleotide c.413 in RAD51D is not conserved according to a GERP++ and PhyloP analysis of 100 vertebrates. For these reasons, this variant has been classified as Uncertain Significance.

Dasa
Classification: Uncertain significance. Last evaluated: 2025-05-16. Review status: criteria provided, single submitter. Criteria: DASA Assertion Criteria. Collection method: clinical testing. Allele origin: germline.
Comment: NM_002878.4(RAD51D):c.413A>G (p.Asn138Ser) is a missense variant that results in the substitution of asparagine with serine. This variant is rare in population databases. Computational prediction algorithms are consistent with a benign effect. The currently available literature and clinical evidence are not sufficient to establish a definitive association between this variant and the reported condition. Therefore, this variant is classified as a variant of uncertain significance.

Center for Genomic Medicine, Rigshospitalet, Copenhagen University Hospital
Classification: Uncertain significance. Last evaluated: 2025-03-04. Review status: criteria provided, single submitter. Criteria: ACMG Guidelines, 2015. Collection method: clinical testing. Allele origin: germline.

Myriad Genetics, Inc.
Classification: Likely benign for Breast-ovarian cancer, familial, susceptibility to, 4. Last evaluated: 2024-12-13. Review status: criteria provided, single submitter. Criteria: Myriad Autosomal Dominant, Autosomal Recessive and X-Linked Classification Criteria (2023). Collection method: clinical testing. Allele origin: unknown.
Comment: This variant is considered likely benign. This variant is strongly associated with less severe personal and family histories of cancer, typical for individuals without pathogenic variants in this gene [PMID: 25085752].

Women's Health and Genetics/Laboratory Corporation of America, LabCorp
Classification: Likely benign. Last evaluated: 2024-10-14. Review status: criteria provided, single submitter. Criteria: LabCorp Variant Classification Summary - May 2015. Collection method: clinical testing. Allele origin: germline.
Comment: Variant summary: RAD51D c.413A>G (p.Asn138Ser) results in a conservative amino acid change located in the AAA+ ATPase domain (IPR003593) of the encoded protein sequence. Four of five in-silico tools predict a benign effect of the variant on protein function. The variant allele was found at a frequency of 0.00012 in 251474 control chromosomes, predominantly at a frequency of 0.00055 within the Latino subpopulation in the gnomAD database. The observed variant frequency within Latino control individuals in the gnomAD database is approximately 4.4 fold of the estimated maximal expected allele frequency for a pathogenic variant in RAD51D causing Hereditary Breast And Ovarian Cancer Syndrome phenotype (0.00013). c.413A>G has been reported in the literature in individuals affected with Hereditary Breast And Ovarian Cancer Syndrome, prostate cancer, endometrial carcinoma, or pancreatic cancer (e.g. Johnson_2014, Tung_2015, Ring_2016, Shindo_2017, Sanchez-Bermudez_2018, Tsaousis_2019). These report(s) do not provide unequivocal conclusions about association of the variant with Hereditary Breast And Ovarian Cancer Syndrome. To our knowledge, no experimental evidence demonstrating an impact on protein function has been reported. The following publications have been ascertained in the context of this evaluation (PMID: 25111073, 27443514, 29409816, 28767289, 31159747, 25186627). ClinVar contains an entry for this variant (Variation ID: 127889). Based on the evidence outlined above, the variant was classified as likely benign.

Color Diagnostics, LLC DBA Color Health
Classification: Likely benign for Hereditary cancer-predisposing syndrome. Last evaluated: 2024-09-19. Review status: criteria provided, single submitter. Criteria: ACMG Guidelines, 2015. Collection method: clinical testing. Allele origin: germline.

Blueprint Genetics
Classification: Likely benign. Last evaluated: 2024-05-07. Review status: criteria provided, single submitter. Criteria: ACMG Guidelines, 2015. Collection method: clinical testing. Allele origin: germline.

NM_002878.4(RAD51D):c.413A>G (p.Asn138Ser)

Genes: RAD51D (RAD51 paralog D; minus strand), RAD51L3-RFFL (RAD51L3-RFFL readthrough; minus strand). Cytogenetic location: 17q12.
Variant type: single nucleotide variant.
Coding change: c.413A>G on transcript NM_002878.4 (MANE Select); coding-DNA position 413, A replaced by G.
Protein change: p.Asn138Ser; replaces asparagine 138 with serine.
Molecular consequence: missense variant. On other transcripts: non-coding transcript variant (1), intron variant (1).
Genome position (GRCh38, 1-based): chr17:35,107,055, T>C on the plus strand (A>G on the coding strand, the complement: RAD51D is on the minus strand). VCF-style: chr17-35107055-T-C. GRCh37 (hg19) VCF-style: chr17-33434074-T-C.
Other names: p.N138S:AAT>AGT; c.473A>G, p.Asn158Ser (NM_001142571.2); c.145-574A>G (NM_133629.3); short protein forms N138S, N158S.
Identifiers: ClinVar variation 127889 (VCV000127889.47), dbSNP rs201676898, ClinGen allele CA287977.
Genomic context (GRCh38, chr17:35,107,055, plus strand): 5'-TCCTCATCCTGGGTTTTAGCCTGAAGCAGCTGGAGGAGGCGGGAAGCTGTCAGCCCTCCA[T>C]TGGAATCTACATATAGGACGTTTTGCTGCAGGCCATGGGCCACATTTGCTGCCATACAGA-3'
Protein context (NP_002869.3, residues 128-148): LQQNVLYVDS[Asn138Ser]GGLTASRLLQ